The following is an entry in ClinVar:

NM_006514.4(SCN10A):c.2809C>T (p.Pro937Ser)

Genes: SCN10A (sodium voltage-gated channel alpha subunit 10; minus strand), LOC110121288 (VISTA enhancer hs2268; plus strand). Cytogenetic location: 3p22.2.
Variant type: single nucleotide variant.
Coding change: c.2809C>T on transcript NM_006514.4 (MANE Select); coding-DNA position 2809, C replaced by T.
Protein change: p.Pro937Ser; replaces proline 937 with serine.
Molecular consequence: missense variant.
Genome position (GRCh38, 1-based): chr3:38,726,884, G>A on the plus strand (C>T on the coding strand, the complement: SCN10A is on the minus strand). VCF-style: chr3-38726884-G-A. GRCh37 (hg19) VCF-style: chr3-38768375-G-A.
Other names: c.2809C>T, p.Pro937Ser (NM_001293306.2); c.2515C>T, p.Pro839Ser (NM_001293307.2); short protein forms P937S, P839S.
Identifiers: ClinVar variation 391871 (VCV000391871.3), dbSNP rs1029017064, ClinGen allele CA16604581.

ClinVar aggregate classification (germline): Uncertain significance. Review status: criteria provided, multiple submitters, no conflicts (2 of 4 stars). 2 submissions from 2 submitters: Uncertain significance (2). Last evaluated 2025-02-13.

Conditions:
Cardiovascular phenotype. Identifiers: MedGen CN230736.

Allele frequency attached by ClinVar (database versions not stated): gnomAD exomes 0.00001 and 0.00004; TOPMed 0.00002; gnomAD 0.00003.
gnomAD v4.1: 60 of 1,614,210 alleles (0.0037%); highest among the groups gnomAD compares: Non-Finnish European, 0.005%; no homozygotes.

Submissions (2):

Ambry Genetics
Classification: Uncertain significance for Cardiovascular phenotype. Last evaluated: 2025-02-13. Review status: criteria provided, single submitter. Criteria: Ambry Variant Classification Scheme 2023. Collection method: clinical testing. Allele origin: germline.
Comment: The p.P937S variant (also known as c.2809C>T), located in coding exon 16 of the SCN10A gene, results from a C to T substitution at nucleotide position 2809. The proline at codon 937 is replaced by serine, an amino acid with similar properties. This amino acid position is conserved. In addition, this alteration is predicted to be tolerated by in silico analysis. Based on the available evidence, the clinical significance of this variant remains unclear.

GeneDx
Classification: Uncertain significance. Last evaluated: 2016-12-19. Review status: criteria provided, single submitter. Criteria: GeneDx Variant Classification (06012015). Collection method: clinical testing. Allele origin: germline. Affected: yes.
Comment: A variant of uncertain significance has been identified in the SCN10A gene. The P937S variant has not been published as a pathogenic variant, nor has it been reported as a benign variant to our knowledge. This variant was not observed in approximately 6,500 individuals of European and African American ancestry in the NHLBI Exome Sequencing Project, indicating it is not a common benign variant in these populations. The P937S variant is a non-conservative amino acid substitution, which is likely to impact secondary protein structure as these residues differ in polarity, charge, size and/or other properties. However, this substitution occurs at a position that is not conserved across species, and Serine is the wild-type amino acid at this position in at least one species. Furthermore, in silico analysis predicts this variant likely does not alter the protein structure/function.Therefore, based on the currently available information, it is unclear whether this variant is pathogenic or benign.